The following is an entry in ClinVar:

NM_005902.4(SMAD3):c.207-26787C>T

Gene: SMAD3 (SMAD family member 3; plus strand). Cytogenetic location: 15q22.33.
Variant type: single nucleotide variant.
Coding change: c.207-26787C>T on transcript NM_005902.4 (MANE Select); 26787 bases into the intron before coding-DNA position 207, C replaced by T.
Molecular consequence: intron variant. On other transcripts: 5 prime UTR variant (1).
Genome position (GRCh38, 1-based): chr15:67,138,108, C>T. VCF-style: chr15-67138108-C-T. GRCh37 (hg19) VCF-style: chr15-67430446-C-T.
Other names: c.-524C>T (NM_001407016.1); c.207-26787C>T (NM_001407011.1, NM_001407013.1, NM_001407012.1); c.60-26787C>T (NM_001407014.1); c.-110+12124C>T (NM_001145102.2, NM_001407015.1); c.74+8C>T (NM_001145103.2).
Identifiers: ClinVar variation 3039876 (VCV003039876.3), dbSNP rs369937081, ClinGen allele CA272440493.

ClinVar aggregate classification (germline): Likely benign. Review status: criteria provided, single submitter (1 of 4 stars). 2 submissions from 2 submitters: Likely benign (1). 1 of the submissions does not count toward it. Last evaluated 2024-04-23.

Conditions:
SMAD3-related disorder. Also called: SMAD3-related condition.

gnomAD v4.1: 15 of 1,549,310 alleles (0.00097%); highest among the groups gnomAD compares: Admixed American, 0.0039%; no homozygotes.

Submissions (2):

Blueprint Genetics
Classification: Likely benign. Last evaluated: 2024-04-23. Review status: criteria provided, single submitter. Criteria: ACMG Guidelines, 2015. Collection method: clinical testing. Allele origin: germline.

PreventionGenetics, part of Exact Sciences
Classification: Likely benign for SMAD3-related condition. Last evaluated: 2019-04-10. Review status: no assertion criteria provided. Collection method: clinical testing. Allele origin: germline. Not counted in ClinVar's aggregate classification.
Comment: This variant is classified as likely benign based on ACMG/AMP sequence variant interpretation guidelines (Richards et al. 2015 PMID: 25741868, with internal and published modifications).